The following is an entry in ClinVar:

NM_213720.3(CHCHD10):c.331G>A (p.Asp111Asn)

Gene: CHCHD10 (coiled-coil-helix-coiled-coil-helix domain containing 10; minus strand). Cytogenetic location: 22q11.23.
Variant type: single nucleotide variant.
Coding change: c.331G>A on transcript NM_213720.3 (MANE Select); coding-DNA position 331, G replaced by A.
Protein change: p.Asp111Asn; replaces aspartic acid 111 with asparagine.
Molecular consequence: missense variant. On other transcripts: non-coding transcript variant (2).
Genome position (GRCh38, 1-based): chr22:23,766,206, C>T on the plus strand (G>A on the coding strand, the complement: CHCHD10 is on the minus strand). VCF-style: chr22-23766206-C-T. GRCh37 (hg19) VCF-style: chr22-24108393-C-T.
Other names: c.352G>A, p.Asp118Asn (NM_001301339.2); short protein forms D111N, D118N.
Identifiers: ClinVar variation 2161055 (VCV002161055.4), dbSNP rs1198199679, ClinGen allele CA410914747.

ClinVar aggregate classification (germline): Uncertain significance (1 of 4 stars; one submission).

Conditions:
Lower motor neuron syndrome with late-adult onset (SMAJ). Also called: Spinal muscular atrophy, Jokela type; Late-Onset Spinal Motor Neuronopathy (SMAJ). Identifiers: Orphanet 276435, MedGen C3554398, MONDO:0014025, OMIM 615048.
Frontotemporal dementia and/or amyotrophic lateral sclerosis 2. Also called: FTDALS2. Identifiers: Orphanet 275872, MedGen C4014648, MONDO:0014395, OMIM 615911.
Autosomal dominant mitochondrial myopathy with exercise intolerance (IMMD). Also called: Myopathy, isolated mitochondrial, autosomal dominant. Identifiers: Orphanet 457050, MedGen C4015513, MONDO:0014532, OMIM 616209.

Allele frequency attached by ClinVar (database versions not stated): gnomAD exomes below 0.00001.
gnomAD v4.1: 1 of 1,609,544 alleles (0.000062%); highest among the groups gnomAD compares: Admixed American, 0.0017%; no homozygotes.

Submission:

Labcorp Genetics (formerly Invitae), Labcorp
Classification: Uncertain significance for Lower motor neuron syndrome with late-adult onset; Frontotemporal dementia and/or amyotrophic lateral sclerosis 2; Autosomal dominant mitochondrial myopathy with exercise intolerance. Last evaluated: 2022-05-25. Review status: criteria provided, single submitter. Criteria: Invitae Variant Classification Sherloc (09022015). Collection method: clinical testing. Allele origin: germline.
Comment: This sequence change replaces aspartic acid, which is acidic and polar, with asparagine, which is neutral and polar, at codon 111 of the CHCHD10 protein (p.Asp111Asn). In summary, the available evidence is currently insufficient to determine the role of this variant in disease. Therefore, it has been classified as a Variant of Uncertain Significance. Algorithms developed to predict the effect of sequence changes on RNA splicing suggest that this variant may create or strengthen a splice site. Algorithms developed to predict the effect of missense changes on protein structure and function are either unavailable or do not agree on the potential impact of this missense change (SIFT: "Tolerated"; PolyPhen-2: "Probably Damaging"; Align-GVGD: "Class C0"). This variant has not been reported in the literature in individuals affected with CHCHD10-related conditions. The frequency data for this variant in the population databases is considered unreliable, as metrics indicate poor data quality at this position in the gnomAD database.